The following is an entry in ClinVar:

ClinVar aggregate classification (germline): Uncertain significance. Review status: criteria provided, multiple submitters, no conflicts (2 of 4 stars). 2 submissions from 2 submitters: Uncertain significance (2). Last evaluated 2025-09-10.

Conditions:
Inborn genetic diseases. Identifiers: MedGen C0950123, MeSH D030342.

Allele frequency attached by ClinVar (database versions not stated): gnomAD exomes below 0.00001 and 0.00001; gnomAD 0.00001; ExAC 0.00002.
gnomAD v4.1: 12 of 1,613,760 alleles (0.00074%); highest among the groups gnomAD compares: Middle Eastern, 0.033%; no homozygotes.

Submissions (2):

Ambry Genetics
Classification: Uncertain significance for Inborn genetic diseases. Last evaluated: 2025-09-10. Review status: criteria provided, single submitter. Criteria: Ambry Variant Classification Scheme 2023. Collection method: clinical testing. Allele origin: germline.

Labcorp Genetics (formerly Invitae), Labcorp
Classification: Uncertain significance. Last evaluated: 2024-02-23. Review status: criteria provided, single submitter. Criteria: Invitae Variant Classification Sherloc (09022015). Collection method: clinical testing. Allele origin: germline.
Comment: This sequence change replaces isoleucine, which is neutral and non-polar, with threonine, which is neutral and polar, at codon 10 of the LCT protein (p.Ile10Thr). This variant is present in population databases (rs753963941, gnomAD 0.004%). This variant has not been reported in the literature in individuals affected with LCT-related conditions. ClinVar contains an entry for this variant (Variation ID: 1480194). Algorithms developed to predict the effect of missense changes on protein structure and function output the following: SIFT: "Not Available"; PolyPhen-2: "Benign"; Align-GVGD: "Not Available". The threonine amino acid residue is found in multiple mammalian species, which suggests that this missense change does not adversely affect protein function. In summary, the available evidence is currently insufficient to determine the role of this variant in disease. Therefore, it has been classified as a Variant of Uncertain Significance.

NM_002299.4(LCT):c.29T>C (p.Ile10Thr)

Gene: LCT (lactase; minus strand). Cytogenetic location: 2q21.3.
Variant type: single nucleotide variant.
Coding change: c.29T>C on transcript NM_002299.4 (MANE Select); coding-DNA position 29, T replaced by C.
Protein change: p.Ile10Thr; replaces isoleucine 10 with threonine.
Molecular consequence: missense variant.
Genome position (GRCh38, 1-based): chr2:135,837,141, A>G on the plus strand (T>C on the coding strand, the complement: LCT is on the minus strand). VCF-style: chr2-135837141-A-G. GRCh37 (hg19) VCF-style: chr2-136594711-A-G.
Other names: c.29T>C (NM_002299.2); short protein forms I10T.
Identifiers: ClinVar variation 1480194 (VCV001480194.8), dbSNP rs753963941, ClinGen allele CA1888709.